The following is an entry in ClinVar:

ClinVar aggregate classification (germline): Uncertain significance (1 of 4 stars; one submission).

Conditions:
Cardiovascular phenotype. Identifiers: MedGen CN230736.

Submission:

Ambry Genetics
Classification: Uncertain significance for Cardiovascular phenotype. Last evaluated: 2026-07-09. Review status: criteria provided, single submitter. Criteria: Ambry Variant Classification Scheme 2023. Collection method: clinical testing. Allele origin: germline.
Comment: The p.S897T variant (also known as c.2689T>A), located in coding exon 16 of the CBL gene, results from a T to A substitution at nucleotide position 2689. The serine at codon 897 is replaced by threonine, an amino acid with similar properties. This amino acid position is conserved. In addition, the in silico prediction for this alteration is inconclusive. Based on the available evidence, the clinical significance of this variant remains unclear.

NM_005188.4(CBL):c.2689T>A (p.Ser897Thr)

Gene: CBL (Cbl proto-oncogene; plus strand). Cytogenetic location: 11q23.3.
Variant type: single nucleotide variant.
Coding change: c.2689T>A on transcript NM_005188.4 (MANE Select); coding-DNA position 2689, T replaced by A.
Protein change: p.Ser897Thr; replaces serine 897 with threonine.
Molecular consequence: missense variant.
Genome position (GRCh38, 1-based): chr11:119,299,749, T>A. VCF-style: chr11-119299749-T-A. GRCh37 (hg19) VCF-style: chr11-119170459-T-A.
Other names: short protein forms S897T.
Identifiers: ClinVar variation 5033735 (VCV005033735.1).